The following is an entry in ClinVar:

ClinVar aggregate classification (germline): Uncertain significance (1 of 4 stars; one submission).

Conditions:
Muscle AMP deaminase deficiency (MMDD). Also called: Adenosine monophosphate deaminase 1 deficiency; AMP deaminase 1 deficiency; Adenosine Monophosphate Deaminase 1; AMPD1 DEFICIENCY; ADENOSINE MONOPHOSPHATE DEAMINASE-1 DEFICIENCY, MYOPATHY DUE TO; Myoadenylate deaminase deficiency, myopathy due to. Identifiers: Orphanet 45, MedGen C3714933, MONDO:0014220, OMIM 615511.

Submission:

Labcorp Genetics (formerly Invitae), Labcorp
Classification: Uncertain significance for Muscle AMP deaminase deficiency. Last evaluated: 2021-12-03. Review status: criteria provided, single submitter. Criteria: Invitae Variant Classification Sherloc (09022015). Collection method: clinical testing. Allele origin: germline.
Comment: This sequence change replaces proline, which is neutral and non-polar, with histidine, which is basic and polar, at codon 693 of the AMPD1 protein (p.Pro693His). This variant is present in population databases (rs267597931, gnomAD 0.01%). This variant has not been reported in the literature in individuals affected with AMPD1-related conditions. Algorithms developed to predict the effect of missense changes on protein structure and function are either unavailable or do not agree on the potential impact of this missense change (SIFT: "Deleterious"; PolyPhen-2: "Probably Damaging"; Align-GVGD: "Class C0"). In summary, the available evidence is currently insufficient to determine the role of this variant in disease. Therefore, it has been classified as a Variant of Uncertain Significance.

NM_000036.3(AMPD1):c.1979C>A (p.Pro660His)

Gene: AMPD1 (adenosine monophosphate deaminase 1; minus strand). Cytogenetic location: 1p13.2.
Variant type: single nucleotide variant.
Coding change: c.1979C>A on transcript NM_000036.3 (MANE Select); coding-DNA position 1979, C replaced by A.
Protein change: p.Pro660His; replaces proline 660 with histidine.
Molecular consequence: missense variant.
Genome position (GRCh38, 1-based): chr1:114,673,745, G>T on the plus strand (C>A on the coding strand, the complement: AMPD1 is on the minus strand). VCF-style: chr1-114673745-G-T. GRCh37 (hg19) VCF-style: chr1-115216366-G-T.
Other names: c.1967C>A, p.Pro656His (NM_001172626.2); short protein forms P656H, P660H.
Identifiers: ClinVar variation 1417304 (VCV001417304.5), dbSNP rs267597931, ClinGen allele CA1019952.